The following is an entry in ClinVar:

ClinVar aggregate classification (germline): Pathogenic (0 of 4 stars; one submission).

Conditions:
Obesity and hypopigmentation (OBHP). Identifiers: MedGen C5774289, MONDO:0859351, OMIM 620195.

Submission:

ClinVar Staff, National Center for Biotechnology Information (NCBI)
Classification: Pathogenic for Obesity and hypopigmentation. Review status: no assertion criteria provided. Collection method: literature only. Allele origin: germline. Affected: yes.
Comment: (Kempf et al. , 2022; PubMed 36536132).

Literature cited by the submitters: PubMed 36536132.

NC_000020.11:g.34210141_34393539dup

Genes: AHCY (adenosylhomocysteinase; minus strand), ASIP (agouti signaling protein; plus strand), ITCH (itchy E3 ubiquitin protein ligase; plus strand), LOC130065711 (ATAC-STARR-seq lymphoblastoid active region 17756; plus strand), LOC130065712 (ATAC-STARR-seq lymphoblastoid active region 17757; plus strand) and 9 more. Cytogenetic location: 20q11.22.
Variant type: Duplication.
Identifiers: ClinVar variation 3248564 (VCV003248564.2).